The following is an entry in ClinVar:

ClinVar aggregate classification (germline): Uncertain significance. Review status: criteria provided, multiple submitters, no conflicts (2 of 4 stars). 2 submissions from 2 submitters: Uncertain significance (2). Last evaluated 2024-08-12.

Conditions:
Hereditary cancer-predisposing syndrome. Also called: Neoplastic Syndromes, Hereditary; Hereditary Cancer Syndrome; Tumor predisposition; Hereditary neoplastic syndrome. Identifiers: Orphanet 140162, MedGen C0027672, MeSH D009386, MONDO:0015356.
Gorlin syndrome. Also called: Nevoid Basal Cell Carcinoma Syndrome; Basal cell nevus syndrome. Identifiers: Orphanet 377, MedGen C0004779, MONDO:0007187.

Allele frequency attached by ClinVar (database versions not stated): TOPMed below 0.00001.

Submissions (2):

Ambry Genetics
Classification: Uncertain significance for Hereditary cancer-predisposing syndrome. Last evaluated: 2024-08-12. Review status: criteria provided, single submitter. Criteria: Ambry Variant Classification Scheme 2023. Collection method: clinical testing. Allele origin: germline.
Comment: The p.T807I variant (also known as c.2420C>T), located in coding exon 15 of the PTCH1 gene, results from a C to T substitution at nucleotide position 2420. The threonine at codon 807 is replaced by isoleucine, an amino acid with similar properties. This amino acid position is conserved. In addition, this alteration is predicted to be deleterious by in silico analysis. Based on the available evidence, the clinical significance of this variant remains unclear.

Labcorp Genetics (formerly Invitae), Labcorp
Classification: Uncertain significance for Gorlin syndrome. Last evaluated: 2023-08-29. Review status: criteria provided, single submitter. Criteria: Invitae Variant Classification Sherloc (09022015). Collection method: clinical testing. Allele origin: germline.
Comment: In summary, the available evidence is currently insufficient to determine the role of this variant in disease. Therefore, it has been classified as a Variant of Uncertain Significance. Advanced modeling of protein sequence and biophysical properties (such as structural, functional, and spatial information, amino acid conservation, physicochemical variation, residue mobility, and thermodynamic stability) performed at Invitae indicates that this missense variant is not expected to disrupt PTCH1 protein function. ClinVar contains an entry for this variant (Variation ID: 1462395). This variant has not been reported in the literature in individuals affected with PTCH1-related conditions. This variant is not present in population databases (gnomAD no frequency). This sequence change replaces threonine, which is neutral and polar, with isoleucine, which is neutral and non-polar, at codon 807 of the PTCH1 protein (p.Thr807Ile).

NM_000264.5(PTCH1):c.2420C>T (p.Thr807Ile)

Genes: PTCH1 (patched 1; minus strand), LOC100507346 (uncharacterized LOC100507346; plus strand). Cytogenetic location: 9q22.32.
Variant type: single nucleotide variant.
Coding change: c.2420C>T on transcript NM_000264.5 (MANE Select); coding-DNA position 2420, C replaced by T.
Protein change: p.Thr807Ile; replaces threonine 807 with isoleucine.
Molecular consequence: missense variant. On other transcripts: non-coding transcript variant (1).
Genome position (GRCh38, 1-based): chr9:95,467,256, G>A on the plus strand (C>T on the coding strand, the complement: PTCH1 is on the minus strand). VCF-style: chr9-95467256-G-A. GRCh37 (hg19) VCF-style: chr9-98229538-G-A.
Other names: c.2420C>T (NM_000264.3); c.2222C>T, p.Thr741Ile (NM_001083602.3); c.2417C>T, p.Thr806Ile (NM_001083603.3); c.1967C>T, p.Thr656Ile (NM_001083604.3, NM_001083605.3, NM_001083606.3 and 1 more transcripts); c.2264C>T, p.Thr755Ile (NM_001354918.2); short protein forms T806I, T807I, T741I, T755I, T656I.
Identifiers: ClinVar variation 1462395 (VCV001462395.9), dbSNP rs1840089871, ClinGen allele CA374114251.
Genomic context (GRCh38, chr9:95,467,256, plus strand): 5'-CTGAAACTCCTGTGTAGGTCGTAAAGTAAGTGCTGGATATTCGGGTAGTCTGCTTTCTGG[G>A]TGACTATATACATGTTGTAGAAAGAAAAGTATTTGAATTGTGCAGCAATAAAGTCATATT-3'
Protein context (NP_000255.2, residues 797-817): YFSFYNMYIV[Thr807Ile]QKADYPNIQH